The following is an entry in ClinVar:

ClinVar aggregate classification (germline): Uncertain significance (1 of 4 stars; one submission).

Conditions:
Palmoplantar keratoderma-esophageal carcinoma syndrome (TOC). Also called: Tylosis with Esophageal Cancer; KERATOSIS PALMARIS ET PLANTARIS WITH ESOPHAGEAL CANCER; PALMOPLANTAR KERATODERMA WITH ESOPHAGEAL CANCER. Identifiers: Orphanet 2198, MedGen C1835664, MONDO:0007856, OMIM 148500.

Allele frequency attached by ClinVar (database versions not stated): ExAC 0.00002; gnomAD exomes 0.00004; TOPMed 0.00006; ESP Exome Variant Server 0.00023; gnomAD 0.00001.

Submission:

Labcorp Genetics (formerly Invitae), Labcorp
Classification: Uncertain significance. Last evaluated: 2025-03-18. Review status: criteria provided, single submitter. Criteria: Invitae Variant Classification Sherloc (09022015). Collection method: clinical testing. Allele origin: germline.
Comment: This sequence change replaces arginine, which is basic and polar, with histidine, which is basic and polar, at codon 270 of the RHBDF2 protein (p.Arg270His). This variant is present in population databases (rs149960669, gnomAD 0.02%). This variant has not been reported in the literature in individuals affected with RHBDF2-related conditions. ClinVar contains an entry for this variant (Variation ID: 973068). An algorithm developed to predict the effect of missense changes on protein structure and function (PolyPhen-2) suggests that this variant is likely to be disruptive. In summary, the available evidence is currently insufficient to determine the role of this variant in disease. Therefore, it has been classified as a Variant of Uncertain Significance.

NM_001005498.4(RHBDF2):c.722G>A (p.Arg241His)

Gene: RHBDF2 (rhomboid 5 homolog 2; minus strand). Cytogenetic location: 17q25.1.
Variant type: single nucleotide variant.
Coding change: c.722G>A on transcript NM_001005498.4 (MANE Select); coding-DNA position 722, G replaced by A.
Protein change: p.Arg241His; replaces arginine 241 with histidine.
Molecular consequence: missense variant. On other transcripts: non-coding transcript variant (3).
Genome position (GRCh38, 1-based): chr17:76,477,736, C>T on the plus strand (G>A on the coding strand, the complement: RHBDF2 is on the minus strand). VCF-style: chr17-76477736-C-T. GRCh37 (hg19) VCF-style: chr17-74473818-C-T.
Other names: c.722G>A, p.Arg241His (NM_001376228.1, NM_001376229.1, NM_001376230.1); c.809G>A, p.Arg270His (NM_024599.5); short protein forms R270H, R241H.
Identifiers: ClinVar variation 973068 (VCV000973068.7), dbSNP rs149960669, ClinGen allele CA8787246.